The following is an entry in ClinVar:

ClinVar aggregate classification (germline): Uncertain significance. Review status: criteria provided, multiple submitters, no conflicts (2 of 4 stars). 2 submissions from 2 submitters: Uncertain significance (2). Last evaluated 2024-05-07.

Conditions:
Duchenne muscular dystrophy (DMD). Also called: MUSCULAR DYSTROPHY, PSEUDOHYPERTROPHIC PROGRESSIVE, DUCHENNE TYPE; Duchenne Muscular Dystrophy (DMD). Identifiers: Orphanet 98896, MedGen C0013264, MONDO:0010679, OMIM 310200.

gnomAD v4.1: 1 of 1,210,786 alleles (0.000083%); no homozygotes.

Submissions (2):

Women's Health and Genetics/Laboratory Corporation of America, LabCorp
Classification: Uncertain significance. Last evaluated: 2024-05-07. Review status: criteria provided, single submitter. Criteria: LabCorp Variant Classification Summary - May 2015. Collection method: clinical testing. Allele origin: germline.
Comment: Variant summary: DMD c.528T>A (p.His176Gln) results in a non-conservative amino acid change in the encoded protein sequence, three nucleotides from the exon 6 / intron 7 5' splice donor site. Four of five in-silico tools predict a damaging effect of the variant on protein function. Consensus agreement among computation tools predict no significant impact on normal splicing. However, these predictions have yet to be confirmed by functional studies. The variant was absent in 183350 control chromosomes. The available data on variant occurrences in the general population are insufficient to allow any conclusion about variant significance. To our knowledge, no occurrence of c.528T>A in individuals affected with Duchenne Muscular Dystrophy and no experimental evidence demonstrating its impact on protein function have been reported. ClinVar contains an entry for this variant (Variation ID: 1720302). Based on the evidence outlined above, the variant was classified as uncertain significance.

Labcorp Genetics (formerly Invitae), Labcorp
Classification: Uncertain significance for Duchenne muscular dystrophy. Last evaluated: 2022-09-24. Review status: criteria provided, single submitter. Criteria: Invitae Variant Classification Sherloc (09022015). Collection method: clinical testing. Allele origin: germline.
Comment: This sequence change replaces histidine, which is basic and polar, with glutamine, which is neutral and polar, at codon 176 of the DMD protein (p.His176Gln). This variant is not present in population databases (gnomAD no frequency). This variant has not been reported in the literature in individuals affected with DMD-related conditions. Algorithms developed to predict the effect of missense changes on protein structure and function are either unavailable or do not agree on the potential impact of this missense change (SIFT: "Deleterious"; PolyPhen-2: "Possibly Damaging"; Align-GVGD: "Class C15"). In summary, the available evidence is currently insufficient to determine the role of this variant in disease. Therefore, it has been classified as a Variant of Uncertain Significance.

NM_004006.3(DMD):c.528T>A (p.His176Gln)

Gene: DMD (dystrophin; minus strand). Cytogenetic location: Xp21.1.
Variant type: single nucleotide variant.
Coding change: c.528T>A on transcript NM_004006.3 (MANE Select); coding-DNA position 528, T replaced by A.
Protein change: p.His176Gln; replaces histidine 176 with glutamine.
Molecular consequence: missense variant.
Genome position (GRCh38, 1-based): chrX:32,816,470, A>T on the plus strand (T>A on the coding strand, the complement: DMD is on the minus strand). VCF-style: chrX-32816470-A-T. GRCh37 (hg19) VCF-style: chrX-32834587-A-T.
Other names: c.504T>A, p.His168Gln (NM_000109.4); c.516T>A, p.His172Gln (NM_004009.3); c.159T>A, p.His53Gln (NM_004010.3); short protein forms H168Q, H172Q, H176Q, H53Q.
Identifiers: ClinVar variation 1720302 (VCV001720302.7), dbSNP rs2077770476, ClinGen allele CA412674027.